The following is an entry in ClinVar:

NM_003482.4(KMT2D):c.13796C>T (p.Ala4599Val)

Gene: KMT2D (lysine methyltransferase 2D; minus strand). Cytogenetic location: 12q13.12.
Variant type: single nucleotide variant.
Coding change: c.13796C>T on transcript NM_003482.4 (MANE Select); coding-DNA position 13796, C replaced by T.
Protein change: p.Ala4599Val; replaces alanine 4599 with valine.
Molecular consequence: missense variant.
Genome position (GRCh38, 1-based): chr12:49,030,644, G>A on the plus strand (C>T on the coding strand, the complement: KMT2D is on the minus strand). VCF-style: chr12-49030644-G-A. GRCh37 (hg19) VCF-style: chr12-49424427-G-A.
Other names: short protein forms A4599V.
Identifiers: ClinVar variation 134724 (VCV000134724.11), dbSNP rs577303074, ClinGen allele CA160619.

ClinVar aggregate classification (germline): Likely benign. Review status: criteria provided, single submitter (1 of 4 stars). 3 submissions from 3 submitters: Likely benign (1). 2 of the submissions do not count toward it. Last evaluated 2025-09-15.

Conditions:
KMT2D-related disorder. Also called: KMT2D-Related Disorders.
Kabuki syndrome. Also called: NIIKAWA-KUROKI SYNDROME; Kabuki make-up syndrome. Identifiers: Orphanet 2322, MedGen C0796004, MONDO:0016512.

Allele frequency attached by ClinVar (database versions not stated): TOPMed 0.00005; gnomAD 0.00006 and 0.00009; gnomAD exomes 0.00006 and 0.00017; 1000 Genomes Project 30x 0.00016; 1000 Genomes Project 0.00020; ExAC 0.00021.
gnomAD v4.1: 108 of 1,606,778 alleles (0.0067%); highest among the groups gnomAD compares: South Asian, 0.08%; no homozygotes.

Submissions (3):

Labcorp Genetics (formerly Invitae), Labcorp
Classification: Likely benign for Kabuki syndrome. Last evaluated: 2025-09-15. Review status: criteria provided, single submitter. Criteria: Invitae Variant Classification Sherloc (09022015). Collection method: clinical testing. Allele origin: germline.

PreventionGenetics, part of Exact Sciences
Classification: Likely benign for KMT2D-related condition. Last evaluated: 2022-11-01. Review status: no assertion criteria provided. Collection method: clinical testing. Allele origin: germline. Not counted in ClinVar's aggregate classification.
Comment: This variant is classified as likely benign based on ACMG/AMP sequence variant interpretation guidelines (Richards et al. 2015 PMID: 25741868, with internal and published modifications).

ITMI
No classification provided. Condition: AllHighlyPenetrant. Last evaluated: 2013-09-19. Review status: no classification provided. Collection method: reference population. Allele origin: germline. Not counted in ClinVar's aggregate classification.
Comment: Please see associated publication for description of ethnicities

Literature cited by the submitters: PubMed 24728327 (cited by ITMI).